The following is an entry in ClinVar:

ClinVar aggregate classification (germline): Uncertain significance (1 of 4 stars; one submission).

gnomAD v4.1: 30 of 1,614,120 alleles (0.0019%); highest among the groups gnomAD compares: Admixed American, 0.0083%; no homozygotes.

Submission:

Labcorp Genetics (formerly Invitae), Labcorp
Classification: Uncertain significance. Last evaluated: 2024-11-22. Review status: criteria provided, single submitter. Criteria: Invitae Variant Classification Sherloc (09022015). Collection method: clinical testing. Allele origin: germline.
Comment: This sequence change replaces arginine, which is basic and polar, with glutamine, which is neutral and polar, at codon 1088 of the EFL1 protein (p.Arg1088Gln). This variant is present in population databases (rs575629747, gnomAD 0.02%). This variant has not been reported in the literature in individuals affected with EFL1-related conditions. Invitae Evidence Modeling of protein sequence and biophysical properties (such as structural, functional, and spatial information, amino acid conservation, physicochemical variation, residue mobility, and thermodynamic stability) indicates that this missense variant is not expected to disrupt EFL1 protein function with a negative predictive value of 80%. In summary, the available evidence is currently insufficient to determine the role of this variant in disease. Therefore, it has been classified as a Variant of Uncertain Significance.

NM_024580.6(EFL1):c.3263G>A (p.Arg1088Gln)

Gene: EFL1 (elongation factor like GTPase 1; minus strand). Cytogenetic location: 15q25.2.
Variant type: single nucleotide variant.
Coding change: c.3263G>A on transcript NM_024580.6 (MANE Select); coding-DNA position 3263, G replaced by A.
Protein change: p.Arg1088Gln; replaces arginine 1088 with glutamine.
Molecular consequence: missense variant. On other transcripts: non-coding transcript variant (1).
Genome position (GRCh38, 1-based): chr15:82,130,473, C>T on the plus strand (G>A on the coding strand, the complement: EFL1 is on the minus strand). VCF-style: chr15-82130473-C-T. GRCh37 (hg19) VCF-style: chr15-82422814-C-T.
Other names: c.3110G>A, p.Arg1037Gln (NM_001040610.3); c.2474G>A, p.Arg825Gln (NM_001322844.2); c.3263G>A, p.Arg1088Gln (NM_001322845.2); short protein forms R1037Q, R1088Q, R825Q.
Identifiers: ClinVar variation 3616189 (VCV003616189.2).
Genomic context (GRCh38, chr15:82,130,473, plus strand): 5'-TCCACAATCTTTTCTTCCACATAAAGCCCCTTCCGCTTTCGTACTGCGTTCATGTACTTC[C>T]GGGCTTGGTTCTCAGAGTCAGCCTTCTCCCCAAAGTGCAAGTATTCCTCCTCAGTAGTTG-3'
Protein context (NP_078856.4, residues 1078-1098): GEKADSENQA[Arg1088Gln]KYMNAVRKRK